The following is an entry in ClinVar:

NM_000096.4(CP):c.2121C>T (p.Gly707=)

Gene: CP (ceruloplasmin; minus strand). Cytogenetic location: 3q24.
Variant type: single nucleotide variant.
Coding change: c.2121C>T on transcript NM_000096.4 (MANE Select); coding-DNA position 2121, C replaced by T.
Protein change: p.Gly707=; no amino-acid change (glycine 707 retained).
Molecular consequence: synonymous variant. On other transcripts: non-coding transcript variant (1).
Genome position (GRCh38, 1-based): chr3:149,185,403, G>A on the plus strand (C>T on the coding strand, the complement: CP is on the minus strand). VCF-style: chr3-149185403-G-A. GRCh37 (hg19) VCF-style: chr3-148903190-G-A.
Identifiers: ClinVar variation 2654216 (VCV002654216.24), dbSNP rs771501394, ClinGen allele CA2660827.

ClinVar aggregate classification (germline): Likely benign (1 of 4 stars; one submission).

Allele frequency attached by ClinVar (database versions not stated): ExAC 0.00001; gnomAD 0.00001; TOPMed 0.00001.
gnomAD v4.1: 19 of 1,613,908 alleles (0.0012%); highest among the groups gnomAD compares: South Asian, 0.0088%; no homozygotes.

Submission:

CeGaT Center for Human Genetics Tuebingen
Classification: Likely benign. Last evaluated: 2023-04-01. Review status: criteria provided, single submitter. Criteria: CeGaT Center For Human Genetics Tuebingen Variant Classification Criteria Version 2. Collection method: clinical testing. Allele origin: germline. Affected: yes. Observed: 1 variant allele.
Comment: CP: BP4, BP7